The following is an entry in ClinVar:

NM_003128.3(SPTBN1):c.5927C>G (p.Ser1976Cys)

Gene: SPTBN1 (spectrin beta, non-erythrocytic 1; plus strand). Cytogenetic location: 2p16.2.
Variant type: single nucleotide variant.
Coding change: c.5927C>G on transcript NM_003128.3 (MANE Select); coding-DNA position 5927, C replaced by G.
Protein change: p.Ser1976Cys; replaces serine 1976 with cysteine.
Molecular consequence: missense variant.
Genome position (GRCh38, 1-based): chr2:54,655,174, C>G. VCF-style: chr2-54655174-C-G. GRCh37 (hg19) VCF-style: chr2-54882311-C-G.
Other names: c.5888C>G, p.Ser1963Cys (NM_178313.3); short protein forms S1963C, S1976C.
Identifiers: ClinVar variation 3361380 (VCV003361380.1).

ClinVar aggregate classification (germline): Uncertain significance (1 of 4 stars; one submission).

gnomAD v4.1: 1 of 1,614,010 alleles (0.000062%); highest among the groups gnomAD compares: African/African-American, 0.0013%; no homozygotes.

Submission:

GeneDx
Classification: Uncertain significance. Last evaluated: 2023-07-28. Review status: criteria provided, single submitter. Criteria: GeneDx Variant Classification Process June 2021. Collection method: clinical testing. Allele origin: germline. Affected: yes.
Comment: Not observed at significant frequency in large population cohorts (gnomAD); In silico analysis supports that this missense variant has a deleterious effect on protein structure/function; Has not been previously published as pathogenic or benign to our knowledge